The following is an entry in ClinVar:

NM_004999.4(MYO6):c.3525C>A (p.Phe1175Leu)

Gene: MYO6 (myosin VI; plus strand). Cytogenetic location: 6q14.1.
Variant type: single nucleotide variant.
Coding change: c.3525C>A on transcript NM_004999.4 (MANE Select); coding-DNA position 3525, C replaced by A.
Protein change: p.Phe1175Leu; replaces phenylalanine 1175 with leucine.
Molecular consequence: missense variant. On other transcripts: non-coding transcript variant (1).
Genome position (GRCh38, 1-based): chr6:75,914,148, C>A. VCF-style: chr6-75914148-C-A. GRCh37 (hg19) VCF-style: chr6-76623865-C-A.
Other names: c.3456C>A, p.Phe1152Leu (NM_001300899.2); c.3429C>A, p.Phe1143Leu (NM_001368136.1); c.3486C>A, p.Phe1162Leu (NM_001368137.1); c.3441C>A, p.Phe1147Leu (NM_001368138.1); c.3552C>A, p.Phe1184Leu (NM_001368865.1); c.3525C>A, p.Phe1175Leu (NM_001368866.1); short protein forms F1143L, F1147L, F1152L, F1162L, F1175L, F1184L.
Identifiers: ClinVar variation 3600747 (VCV003600747.1).

ClinVar aggregate classification (germline): Uncertain significance (1 of 4 stars; one submission).

gnomAD v4.1: 8 of 1,614,002 alleles (0.0005%); highest among the groups gnomAD compares: Non-Finnish European, 0.00068%; no homozygotes.

Submission:

GeneDx
Classification: Uncertain significance. Last evaluated: 2024-07-22. Review status: criteria provided, single submitter. Criteria: GeneDx Variant Classification Process June 2021. Collection method: clinical testing. Allele origin: germline. Affected: yes.
Comment: Not observed at significant frequency in large population cohorts (gnomAD); In silico analysis supports that this missense variant has a deleterious effect on protein structure/function; Has not been previously published as pathogenic or benign to our knowledge